The following is an entry in ClinVar:

ClinVar aggregate classification (germline): Uncertain significance (1 of 4 stars; one submission).

Submission:

Labcorp Genetics (formerly Invitae), Labcorp
Classification: Uncertain significance. Last evaluated: 2022-07-06. Review status: criteria provided, single submitter. Criteria: Invitae Variant Classification Sherloc (09022015). Collection method: clinical testing. Allele origin: germline.
Comment: In summary, the available evidence is currently insufficient to determine the role of this variant in disease. Therefore, it has been classified as a Variant of Uncertain Significance. Algorithms developed to predict the effect of missense changes on protein structure and function (SIFT, PolyPhen-2, Align-GVGD) all suggest that this variant is likely to be tolerated. ClinVar contains an entry for this variant (Variation ID: 1523290). This variant has not been reported in the literature in individuals affected with FERMT1-related conditions. This variant is not present in population databases (gnomAD no frequency). This sequence change replaces cysteine, which is neutral and slightly polar, with phenylalanine, which is neutral and non-polar, at codon 68 of the FERMT1 protein (p.Cys68Phe).

NM_017671.5(FERMT1):c.203G>T (p.Cys68Phe)

Gene: FERMT1 (FERM domain containing kindlin 1; minus strand). Cytogenetic location: 20p12.3.
Variant type: single nucleotide variant.
Coding change: c.203G>T on transcript NM_017671.5 (MANE Select); coding-DNA position 203, G replaced by T.
Protein change: p.Cys68Phe; replaces cysteine 68 with phenylalanine.
Molecular consequence: missense variant.
Genome position (GRCh38, 1-based): chr20:6,115,993, C>A on the plus strand (G>T on the coding strand, the complement: FERMT1 is on the minus strand). VCF-style: chr20-6115993-C-A. GRCh37 (hg19) VCF-style: chr20-6096640-C-A.
Other names: short protein forms C68F.
Identifiers: ClinVar variation 1523290 (VCV001523290.8), dbSNP rs2123150728, ClinGen allele CA408192966.